The following is an entry in ClinVar:

ClinVar aggregate classification (germline): Uncertain significance. Review status: criteria provided, multiple submitters, no conflicts (2 of 4 stars). 2 submissions from 2 submitters: Uncertain significance (2). Last evaluated 2025-01-09.

Submissions (2):

GeneDx
Classification: Uncertain significance. Last evaluated: 2025-01-09. Review status: criteria provided, single submitter. Criteria: GeneDx Variant Classification Process June 2021. Collection method: clinical testing. Allele origin: germline. Affected: yes.
Comment: Not observed at significant frequency in large population cohorts (gnomAD); In silico analysis indicates that this missense variant does not alter protein structure/function; Has not been previously published as pathogenic or benign to our knowledge

Labcorp Genetics (formerly Invitae), Labcorp
Classification: Uncertain significance. Last evaluated: 2024-05-28. Review status: criteria provided, single submitter. Criteria: Invitae Variant Classification Sherloc (09022015). Collection method: clinical testing. Allele origin: germline.
Comment: This sequence change replaces valine, which is neutral and non-polar, with isoleucine, which is neutral and non-polar, at codon 1609 of the MACF1 protein (p.Val1609Ile). This variant is not present in population databases (gnomAD no frequency). This variant has not been reported in the literature in individuals affected with MACF1-related conditions. Algorithms developed to predict the effect of missense changes on protein structure and function output the following: SIFT: "Not Available"; PolyPhen-2: "Benign"; Align-GVGD: "Not Available". The isoleucine amino acid residue is found in multiple mammalian species, which suggests that this missense change does not adversely affect protein function. In summary, the available evidence is currently insufficient to determine the role of this variant in disease. Therefore, it has been classified as a Variant of Uncertain Significance.

NM_001394062.1(MACF1):c.11011G>A (p.Val3671Ile)

Gene: MACF1 (microtubule actin crosslinking factor 1; plus strand). Cytogenetic location: 1p34.3.
Variant type: single nucleotide variant.
Coding change: c.11011G>A on transcript NM_001394062.1 (MANE Select); coding-DNA position 11011, G replaced by A.
Protein change: p.Val3671Ile; replaces valine 3671 with isoleucine.
Molecular consequence: missense variant.
Genome position (GRCh38, 1-based): chr1:39,350,830, G>A. VCF-style: chr1-39350830-G-A. GRCh37 (hg19) VCF-style: chr1-39816502-G-A.
Other names: c.4825G>A, p.Val1609Ile (NM_012090.5); short protein forms V1609I, V3671I.
Identifiers: ClinVar variation 3691477 (VCV003691477.3).
Genomic context (GRCh38, chr1:39,350,830, plus strand): 5'-TTTTCTTGTGTTAAGGATTTACAGGATGACATTCAGAATCGTGCCACCTCATTTGCCACT[G>A]TTGTCAAGGACATTGAGGGGTTCATGGAAGAGAATCAGACCAAGCTGAGCCCACGTGAGT-3'
Protein context (NP_001380991.1, residues 3661-3681): IQNRATSFAT[Val3671Ile]VKDIEGFMEE